The following is an entry in ClinVar:

ClinVar aggregate classification (germline): Uncertain significance (1 of 4 stars; one submission).

Conditions:
ADCY3-related disorder. Also called: ADCY3-related condition.

gnomAD v4.1: 1 of 1,613,976 alleles (0.000062%); highest among the groups gnomAD compares: African/African-American, 0.0013%; no homozygotes.

Submission:

PreventionGenetics, part of Exact Sciences
Classification: Uncertain significance for ADCY3-related condition. Last evaluated: 2026-01-28. Review status: criteria provided, single submitter. Criteria: ACMG Guidelines, 2015. Collection method: clinical testing. Allele origin: germline.
Comment: The ADCY3 c.1384G>T variant is predicted to result in the amino acid substitution p.Asp462Tyr. To our knowledge, this variant has not been reported in the literature. This variant is reported in 0.011% of alleles in individuals of African descent in gnomAD. At this time, the clinical significance of this variant is uncertain due to the absence of conclusive functional and genetic evidence.

NM_004036.5(ADCY3):c.1384G>T (p.Asp462Tyr)

Gene: ADCY3 (adenylate cyclase 3; minus strand). Cytogenetic location: 2p23.3.
Variant type: single nucleotide variant.
Coding change: c.1384G>T on transcript NM_004036.5 (MANE Select); coding-DNA position 1384, G replaced by T.
Protein change: p.Asp462Tyr; replaces aspartic acid 462 with tyrosine.
Molecular consequence: missense variant.
Genome position (GRCh38, 1-based): chr2:24,838,594, C>A on the plus strand (G>T on the coding strand, the complement: ADCY3 is on the minus strand). VCF-style: chr2-24838594-C-A. GRCh37 (hg19) VCF-style: chr2-25061463-C-A.
Other names: c.1384G>T, p.Asp462Tyr (NM_001320613.2, NM_001377129.1, NM_001377130.1 and 1 more transcripts); c.1450G>T, p.Asp484Tyr (NM_001377128.1); c.661G>T, p.Asp221Tyr (NM_001377131.1); short protein forms D484Y, D462Y, D221Y.
Identifiers: ClinVar variation 4982543 (VCV004982543.1).